The following is an entry in ClinVar:

ClinVar aggregate classification (germline): Uncertain significance (1 of 4 stars; one submission).

Conditions:
Hereditary cancer-predisposing syndrome. Also called: Neoplastic Syndromes, Hereditary; Tumor predisposition; Hereditary neoplastic syndrome; Hereditary Cancer Syndrome. Identifiers: Orphanet 140162, MedGen C0027672, MeSH D009386, MONDO:0015356.

Submission:

Ambry Genetics
Classification: Uncertain significance for Hereditary cancer-predisposing syndrome. Last evaluated: 2026-08-25. Review status: criteria provided, single submitter. Criteria: Ambry Variant Classification Scheme 2023. Collection method: clinical testing. Allele origin: germline.
Comment: The p.W1063R variant (also known as c.3187T>A), located in coding exon 21 of the TSC1 gene, results from a T to A substitution at nucleotide position 3187. The tryptophan at codon 1063 is replaced by arginine, an amino acid with dissimilar properties. This amino acid position is conserved. In addition, this alteration is predicted to be tolerated by in silico analysis. Based on the available evidence, the clinical significance of this variant remains unclear.

NM_000368.5(TSC1):c.3187T>A (p.Trp1063Arg)

Gene: TSC1 (TSC complex subunit 1; minus strand). Cytogenetic location: 9q34.13.
Variant type: single nucleotide variant.
Coding change: c.3187T>A on transcript NM_000368.5 (MANE Select); coding-DNA position 3187, T replaced by A.
Protein change: p.Trp1063Arg; replaces tryptophan 1063 with arginine.
Molecular consequence: missense variant. On other transcripts: non-coding transcript variant (5).
Genome position (GRCh38, 1-based): chr9:132,896,543, A>T on the plus strand (T>A on the coding strand, the complement: TSC1 is on the minus strand). VCF-style: chr9-132896543-A-T. GRCh37 (hg19) VCF-style: chr9-135771930-A-T.
Other names: c.2782T>A, p.Trp928Arg (NM_001406624.1); c.2779T>A, p.Trp927Arg (NM_001406625.1); c.2236T>A, p.Trp746Arg (NM_001406626.1); c.2233T>A, p.Trp745Arg (NM_001406627.1, NM_001406628.1); c.2134T>A, p.Trp712Arg (NM_001406629.1, NM_001406630.1); c.3184T>A, p.Trp1062Arg (NM_001162426.2, NM_001406597.1, NM_001406598.1 and 2 more transcripts); c.3034T>A, p.Trp1012Arg (NM_001162427.2, NM_001406610.1); c.2824T>A, p.Trp942Arg (NM_001362177.2, NM_001406614.1, NM_001406615.1 and 4 more transcripts); and 8 more; short protein forms W1012R, W1048R, W746R, W941R, W1057R, W1058R, W745R, W928R.
Identifiers: ClinVar variation 5031264 (VCV005031264.1).